The following is an entry in ClinVar:

NM_022081.6(HPS4):c.988G>A (p.Gly330Ser)

Gene: HPS4 (HPS4 biogenesis of lysosomal organelles complex 3 subunit 2; minus strand). Cytogenetic location: 22q12.1.
Variant type: single nucleotide variant.
Coding change: c.988G>A on transcript NM_022081.6 (MANE Select); coding-DNA position 988, G replaced by A.
Protein change: p.Gly330Ser; replaces glycine 330 with serine.
Molecular consequence: missense variant. On other transcripts: non-coding transcript variant (8).
Genome position (GRCh38, 1-based): chr22:26,464,642, C>T on the plus strand (G>A on the coding strand, the complement: HPS4 is on the minus strand). VCF-style: chr22-26464642-C-T. GRCh37 (hg19) VCF-style: chr22-26860608-C-T.
Other names: c.988G>A, p.Gly330Ser (NM_001349896.1, NM_001349898.2, NM_001349899.2 and 5 more transcripts); c.1042G>A, p.Gly348Ser (NM_001349900.2, NM_001349901.1); c.973G>A, p.Gly325Ser (NM_152841.2); short protein forms G348S, G330S, G325S.
Identifiers: ClinVar variation 1975992 (VCV001975992.2), dbSNP rs1252320334, ClinGen allele CA411028401.

ClinVar aggregate classification (germline): Uncertain significance (1 of 4 stars; one submission).

Allele frequency attached by ClinVar (database versions not stated): gnomAD exomes below 0.00001; TOPMed 0.00001; gnomAD 0.00002.
gnomAD v4.1: 7 of 1,613,498 alleles (0.00043%); highest among the groups gnomAD compares: East Asian, 0.016%; no homozygotes.

Submission:

Labcorp Genetics (formerly Invitae), Labcorp
Classification: Uncertain significance. Last evaluated: 2021-12-20. Review status: criteria provided, single submitter. Criteria: Invitae Variant Classification Sherloc (09022015). Collection method: clinical testing. Allele origin: germline.
Comment: This sequence change replaces glycine, which is neutral and non-polar, with serine, which is neutral and polar, at codon 330 of the HPS4 protein (p.Gly330Ser). This variant is present in population databases (no rsID available, gnomAD 0.02%). This variant has not been reported in the literature in individuals affected with HPS4-related conditions. Algorithms developed to predict the effect of missense changes on protein structure and function are either unavailable or do not agree on the potential impact of this missense change (SIFT: "Tolerated"; PolyPhen-2: "Possibly Damaging"; Align-GVGD: "Class C0"). Algorithms developed to predict the effect of sequence changes on RNA splicing suggest that this variant may create or strengthen a splice site. In summary, the available evidence is currently insufficient to determine the role of this variant in disease. Therefore, it has been classified as a Variant of Uncertain Significance.